The following is an entry in ClinVar:

NM_012268.4(PLD3):c.800G>A (p.Arg267Gln)

Genes: PLD3 (phospholipase D family member 3; plus strand), LOC121852988 (Sharpr-MPRA regulatory region 12346; plus strand). Cytogenetic location: 19q13.2.
Variant type: single nucleotide variant.
Coding change: c.800G>A on transcript NM_012268.4 (MANE Select); coding-DNA position 800, G replaced by A.
Protein change: p.Arg267Gln; replaces arginine 267 with glutamine.
Molecular consequence: missense variant.
Genome position (GRCh38, 1-based): chr19:40,371,794, G>A. VCF-style: chr19-40371794-G-A. GRCh37 (hg19) VCF-style: chr19-40877701-G-A.
Other names: c.800G>A, p.Arg267Gln (NM_001031696.4, NM_001291311.2); short protein forms R267Q.
Identifiers: ClinVar variation 4754599 (VCV004754599.1).
Genomic context (GRCh38, chr19:40,371,794, plus strand): 5'-TCTTTGAGGCCTACTGGTTCCTGGGCCAGGCAGGCAGCTCCATCCCATCAACTTGGCCCC[G>A]GTTCTATGACACCCGCTACAACCAAGAGACACCAATGGAGATCTGCCTCAATGGAACCCC-3'
Protein context (NP_036400.2, residues 257-277): AGSSIPSTWP[Arg267Gln]FYDTRYNQET

ClinVar aggregate classification (germline): Uncertain significance (1 of 4 stars; one submission).

gnomAD v4.1: 161 of 1,613,986 alleles (0.01%); highest among the groups gnomAD compares: Non-Finnish European, 0.013%; no homozygotes.

Submission:

Labcorp Genetics (formerly Invitae), Labcorp
Classification: Uncertain significance. Last evaluated: 2025-11-22. Review status: criteria provided, single submitter. Criteria: Invitae Variant Classification Sherloc (09022015). Collection method: clinical testing. Allele origin: germline.
Comment: This sequence change replaces arginine, which is basic and polar, with glutamine, which is neutral and polar, at codon 267 of the PLD3 protein (p.Arg267Gln). This variant is present in population databases (rs376721960, gnomAD 0.009%). This variant has not been reported in the literature in individuals affected with PLD3-related conditions. An algorithm developed to predict the effect of missense changes on protein structure and function outputs the following: PolyPhen-2: "Benign". The glutamine amino acid residue is found in multiple mammalian species, which suggests that this missense change does not adversely affect protein function. In summary, the available evidence is currently insufficient to determine the role of this variant in disease. Therefore, it has been classified as a Variant of Uncertain Significance.